The following is an entry in ClinVar:

ClinVar aggregate classification (germline): Uncertain significance (1 of 4 stars; one submission).

Submission:

Labcorp Genetics (formerly Invitae), Labcorp
Classification: Uncertain significance. Last evaluated: 2021-12-03. Review status: criteria provided, single submitter. Criteria: Invitae Variant Classification Sherloc (09022015). Collection method: clinical testing. Allele origin: germline.
Comment: This sequence change replaces arginine, which is basic and polar, with proline, which is neutral and non-polar, at codon 326 of the DCHS1 protein (p.Arg326Pro). This variant is not present in population databases (gnomAD no frequency). This variant has not been reported in the literature in individuals affected with DCHS1-related conditions. Advanced modeling of protein sequence and biophysical properties (such as structural, functional, and spatial information, amino acid conservation, physicochemical variation, residue mobility, and thermodynamic stability) performed at Invitae indicates that this missense variant is not expected to disrupt DCHS1 protein function. In summary, the available evidence is currently insufficient to determine the role of this variant in disease. Therefore, it has been classified as a Variant of Uncertain Significance.

NM_003737.4(DCHS1):c.977G>C (p.Arg326Pro)

Gene: DCHS1 (dachsous cadherin-related 1; minus strand). Cytogenetic location: 11p15.4.
Variant type: single nucleotide variant.
Coding change: c.977G>C on transcript NM_003737.4 (MANE Select); coding-DNA position 977, G replaced by C.
Protein change: p.Arg326Pro; replaces arginine 326 with proline.
Molecular consequence: missense variant.
Genome position (GRCh38, 1-based): chr11:6,640,637, C>G on the plus strand (G>C on the coding strand, the complement: DCHS1 is on the minus strand). VCF-style: chr11-6640637-C-G. GRCh37 (hg19) VCF-style: chr11-6661868-C-G.
Other names: short protein forms R326P.
Identifiers: ClinVar variation 1491512 (VCV001491512.6), dbSNP rs1160586799, ClinGen allele CA379438248.